The following is an entry in ClinVar:

NM_006231.4(POLE):c.3668C>T (p.Pro1223Leu)

Gene: POLE (DNA polymerase epsilon, catalytic subunit; minus strand). Cytogenetic location: 12q24.33.
Variant type: single nucleotide variant.
Coding change: c.3668C>T on transcript NM_006231.4 (MANE Select); coding-DNA position 3668, C replaced by T.
Protein change: p.Pro1223Leu; replaces proline 1223 with leucine.
Molecular consequence: missense variant.
Genome position (GRCh38, 1-based): chr12:132,649,804, G>A on the plus strand (C>T on the coding strand, the complement: POLE is on the minus strand). VCF-style: chr12-132649804-G-A. GRCh37 (hg19) VCF-style: chr12-133226390-G-A.
Other names: c.3668C>T (NM_006231.2); short protein forms P1223L.
Identifiers: ClinVar variation 1461993 (VCV001461993.11), dbSNP rs766806062, ClinGen allele CA246310556.
Genomic context (GRCh38, chr12:132,649,804, plus strand): 5'-TGGGACTCCTCCTGGCTCTCCCAAAGAACTCGCTTCCTCTTCACAGTGACAGGGGCTGCT[G>A]GGTGAGGCAGCTTTACGAGGCCGAAGTCCTCCATGTCAGGAGCACTTGGCCTCGGACTGT-3'
Protein context (NP_006222.2, residues 1213-1233): EDFGLVKLPH[Pro1223Leu]AAPVTVKRKR

ClinVar aggregate classification (germline): Conflicting classifications of pathogenicity. Review status: criteria provided, conflicting classifications (1 of 4 stars). 4 submissions from 4 submitters: Uncertain significance (3); Likely benign (1). Last evaluated 2025-08-13.

Conditions:
Intrauterine growth retardation, metaphyseal dysplasia, adrenal hypoplasia congenita, genital anomalies, and immunodeficiency. Also called: IMAGEI SYNDROME. Identifiers: MedGen C5193036, MONDO:0032684, OMIM 618336.
Colorectal cancer, susceptibility to, 12 (CRCS12). Also called: COLORECTAL CANCER, SUSCEPTIBILITY TO, ON CHROMOSOME 12q24. Identifiers: Orphanet 220460, MedGen C3554460, MONDO:0014038, OMIM 615083.
Facial dysmorphism-immunodeficiency-livedo-short stature syndrome. Also called: FILS syndrome; Facial dysmorphism, immunodeficiency, livedo, and short stature. Identifiers: Orphanet 352712, MedGen C3554576, MONDO:0014058, OMIM 615139.
Hereditary cancer-predisposing syndrome. Also called: Tumor predisposition; Hereditary neoplastic syndrome; Hereditary Cancer Syndrome; Neoplastic Syndromes, Hereditary. Identifiers: Orphanet 140162, MedGen C0027672, MeSH D009386, MONDO:0015356.

Allele frequency attached by ClinVar (database versions not stated): TOPMed 0.00001; gnomAD 0.00003.
gnomAD v4.1: 5 of 1,614,048 alleles (0.00031%); highest among the groups gnomAD compares: African/African-American, 0.0053%; no homozygotes.

Submissions (4):

GeneDx
Classification: Uncertain significance. Last evaluated: 2025-08-13. Review status: criteria provided, single submitter. Criteria: GeneDx Variant Classification Process June 2021. Collection method: clinical testing. Allele origin: germline. Affected: yes.
Comment: Not observed at significant frequency in large population cohorts (gnomAD); In silico analysis supports that this missense variant has a deleterious effect on protein structure/function; Has not been previously published as pathogenic or benign to our knowledge

Ambry Genetics
Classification: Likely benign for Hereditary cancer-predisposing syndrome. Last evaluated: 2025-08-06. Review status: criteria provided, single submitter. Criteria: Ambry Variant Classification Scheme 2023. Collection method: clinical testing. Allele origin: germline.

Labcorp Genetics (formerly Invitae), Labcorp
Classification: Uncertain significance. Last evaluated: 2025-04-02. Review status: criteria provided, single submitter. Criteria: Invitae Variant Classification Sherloc (09022015). Collection method: clinical testing. Allele origin: germline.
Comment: This sequence change replaces proline, which is neutral and non-polar, with leucine, which is neutral and non-polar, at codon 1223 of the POLE protein (p.Pro1223Leu). This variant is present in population databases (no rsID available, gnomAD 0.01%). This variant has not been reported in the literature in individuals affected with POLE-related conditions. ClinVar contains an entry for this variant (Variation ID: 1461993). Invitae Evidence Modeling of protein sequence and biophysical properties (such as structural, functional, and spatial information, amino acid conservation, physicochemical variation, residue mobility, and thermodynamic stability) indicates that this missense variant is not expected to disrupt POLE protein function with a negative predictive value of 80%. In summary, the available evidence is currently insufficient to determine the role of this variant in disease. Therefore, it has been classified as a Variant of Uncertain Significance.

Fulgent Genetics
Classification: Uncertain significance for Colorectal cancer, susceptibility to, 12; Facial dysmorphism-immunodeficiency-livedo-short stature syndrome; Intrauterine growth retardation, metaphyseal dysplasia, adrenal hypoplasia congenita, genital anomalies, and immunodeficiency. Last evaluated: 2023-12-29. Review status: criteria provided, single submitter. Criteria: ACMG Guidelines, 2015. Collection method: clinical testing. Allele origin: germline.